The following is an entry in ClinVar:

ClinVar aggregate classification (germline): Benign. Review status: criteria provided, single submitter (1 of 4 stars). 2 submissions from 2 submitters: Benign (1). 1 of the submissions does not count toward it. Last evaluated 2019-12-31.

Conditions:
NRP1-related disorder. Also called: NRP1-related condition.

Allele frequency attached by ClinVar (database versions not stated): gnomAD below 0.00001 and 0.00046; TOPMed 0.00003; gnomAD exomes 0.00069 and 0.00133; ExAC 0.00147; 1000 Genomes Project 30x 0.00344; 1000 Genomes Project 0.00379.
gnomAD v4.1: 1,064 of 1,614,098 alleles (0.066%); highest among the groups gnomAD compares: South Asian, 1.1%; 13 homozygotes.

Submissions (2):

Labcorp Genetics (formerly Invitae), Labcorp
Classification: Benign. Last evaluated: 2019-12-31. Review status: criteria provided, single submitter. Criteria: Invitae Variant Classification Sherloc (09022015). Collection method: clinical testing. Allele origin: germline.

PreventionGenetics, part of Exact Sciences
Classification: Benign for NRP1-related condition. Last evaluated: 2019-05-08. Review status: no assertion criteria provided. Collection method: clinical testing. Allele origin: germline. Not counted in ClinVar's aggregate classification.
Comment: This variant is classified as benign based on ACMG/AMP sequence variant interpretation guidelines (Richards et al. 2015 PMID: 25741868, with internal and published modifications).

NM_003873.7(NRP1):c.1467G>C (p.Leu489=)

Gene: NRP1 (neuropilin 1; minus strand). Cytogenetic location: 10p11.22.
Variant type: single nucleotide variant.
Coding change: c.1467G>C on transcript NM_003873.7 (MANE Select); coding-DNA position 1467, G replaced by C.
Protein change: p.Leu489=; no amino-acid change (leucine 489 retained).
Molecular consequence: synonymous variant. On other transcripts: non-coding transcript variant (1).
Genome position (GRCh38, 1-based): chr10:33,213,533, C>G on the plus strand (G>C on the coding strand, the complement: NRP1 is on the minus strand). VCF-style: chr10-33213533-C-G. GRCh37 (hg19) VCF-style: chr10-33502461-C-G.
Other names: c.1467G>C, p.Leu489= (NM_001024628.3, NM_001024629.3, NM_001244972.2 and 2 more transcripts).
Identifiers: ClinVar variation 793354 (VCV000793354.6), dbSNP rs556712319, ClinGen allele CA5466640.